The following is an entry in ClinVar:

NM_017909.4(RMND1):c.505-343_505-341dup

Gene: RMND1 (required for meiotic nuclear division 1 homolog; minus strand). Cytogenetic location: 6q25.1.
Variant type: Duplication.
Coding change: c.505-343_505-341dup on transcript NM_017909.4 (MANE Select); 343 bases into the intron before coding-DNA position 505 through 341 bases into the intron before coding-DNA position 505, 3 bases duplicated (CAT; older notation c.505-343_505-341dupCAT).
Molecular consequence: intron variant.
Genome position (GRCh38, 1-based): chr6:151,436,895-151,436,897, ATG duplicated on the plus strand (CAT on the coding strand, the reverse complement: RMND1 is on the minus strand). VCF-style (leftmost placement, unchanged base first): chr6-151436894-A-AATG. GRCh37 (hg19) VCF-style: chr6-151758029-A-AATG.
Other names: c.-6-343_-6-341dup (NM_001271937.2).
Identifiers: ClinVar variation 683661 (VCV000683661.1), dbSNP rs10699964, ClinGen allele CA150121164.
Genomic context (GRCh38, chr6:151,436,894, plus strand): 5'-TCAAGCACAGATTGAATGCAAAATAGAGATGATTAAGGCATCACATGGGTGACTGGATGG[A>AATG]ATGTTTAAGTCTCTCCAACCCTGAGTTTCCATGACTCTTTTTCAAAGCAACATTAGTATT-3'

ClinVar aggregate classification (germline): Benign (1 of 4 stars; one submission).

Allele frequency attached by ClinVar (database versions not stated): gnomAD exomes 0.41117; gnomAD 0.53337 and 0.53349; TOPMed 0.54924; 1000 Genomes Project 30x 0.62336.

Submission:

GeneDx
Classification: Benign. Last evaluated: 2018-06-14. Review status: criteria provided, single submitter. Criteria: GeneDx Variant Classification (06012015). Collection method: clinical testing. Allele origin: germline. Affected: yes.
Comment: This variant is considered likely benign or benign based on one or more of the following criteria: it is a conservative change, it occurs at a poorly conserved position in the protein, it is predicted to be benign by multiple in silico algorithms, and/or has population frequency not consistent with disease.